The following is an entry in ClinVar:

ClinVar aggregate classification (germline): Uncertain significance (1 of 4 stars; one submission).

Allele frequency attached by ClinVar (database versions not stated): TOPMed 0.00001; ExAC 0.00002; gnomAD exomes 0.00002.
gnomAD v4.1: 42 of 1,612,874 alleles (0.0026%); highest among the groups gnomAD compares: Non-Finnish European, 0.0034%; no homozygotes.

Submission:

Labcorp Genetics (formerly Invitae), Labcorp
Classification: Uncertain significance. Last evaluated: 2021-05-17. Review status: criteria provided, single submitter. Criteria: Invitae Variant Classification Sherloc (09022015). Collection method: clinical testing. Allele origin: germline.
Comment: In summary, the available evidence is currently insufficient to determine the role of this variant in disease. Therefore, it has been classified as a Variant of Uncertain Significance. Algorithms developed to predict the effect of sequence changes on RNA splicing suggest that this variant may disrupt the consensus splice site, but this prediction has not been confirmed by published transcriptional studies. Algorithms developed to predict the effect of missense changes on protein structure and function are either unavailable or do not agree on the potential impact of this missense change (SIFT: "Deleterious"; PolyPhen-2: "Probably Damaging"; Align-GVGD: "Class C0"). This variant has not been reported in the literature in individuals with CARMIL2-related conditions. This variant is present in population databases (rs200130634, ExAC 0.003%). This sequence change replaces arginine with tryptophan at codon 204 of the CARMIL2 protein (p.Arg204Trp). The arginine residue is moderately conserved and there is a moderate physicochemical difference between arginine and tryptophan.

NM_001013838.3(CARMIL2):c.610C>T (p.Arg204Trp)

Gene: CARMIL2 (capping protein regulator and myosin 1 linker 2; plus strand). Cytogenetic location: 16q22.1.
Variant type: single nucleotide variant.
Coding change: c.610C>T on transcript NM_001013838.3 (MANE Select); coding-DNA position 610, C replaced by T.
Protein change: p.Arg204Trp; replaces arginine 204 with tryptophan.
Molecular consequence: missense variant.
Genome position (GRCh38, 1-based): chr16:67,646,972, C>T. VCF-style: chr16-67646972-C-T. GRCh37 (hg19) VCF-style: chr16-67680875-C-T.
Other names: c.610C>T, p.Arg204Trp (NM_001317026.3); short protein forms R204W.
Identifiers: ClinVar variation 1380183 (VCV001380183.8), dbSNP rs200130634, ClinGen allele CA8113135.